The following is an entry in ClinVar:

NM_004369.4(COL6A3):c.5123A>G (p.Lys1708Arg)

Gene: COL6A3 (collagen type VI alpha 3 chain; minus strand). Cytogenetic location: 2q37.3.
Variant type: single nucleotide variant.
Coding change: c.5123A>G on transcript NM_004369.4 (MANE Select); coding-DNA position 5123, A replaced by G.
Protein change: p.Lys1708Arg; replaces lysine 1708 with arginine.
Molecular consequence: missense variant.
Genome position (GRCh38, 1-based): chr2:237,367,064, T>C on the plus strand (A>G on the coding strand, the complement: COL6A3 is on the minus strand). VCF-style: chr2-237367064-T-C. GRCh37 (hg19) VCF-style: chr2-238275707-T-C.
Other names: c.3302A>G, p.Lys1101Arg (NM_057166.5); c.4505A>G, p.Lys1502Arg (NM_057167.4); short protein forms K1502R, K1708R, K1101R.
Identifiers: ClinVar variation 894892 (VCV000894892.8), dbSNP rs770936644, ClinGen allele CA2188741.

ClinVar aggregate classification (germline): Conflicting classifications of pathogenicity. Review status: criteria provided, conflicting classifications (1 of 4 stars). 3 submissions from 3 submitters: Uncertain significance (2); Benign (1). Last evaluated 2026-05-06.

Conditions:
Collagen 6-related myopathy. Identifiers: MedGen CN117976, MONDO:0100225.
Inborn genetic diseases. Identifiers: MedGen C0950123, MeSH D030342.
Bethlem myopathy 1A. Also called: Bethlem myopathy 1; Bethlem Muscular Dystrophy; MYOPATHY, BENIGN CONGENITAL, WITH CONTRACTURES. Identifiers: Orphanet 610, MedGen CN029274, MONDO:0024530, OMIM 158810.

Allele frequency attached by ClinVar (database versions not stated): gnomAD 0.00001 and below 0.00001; gnomAD exomes 0.00002; ExAC 0.00002.

Submissions (3):

Ambry Genetics
Classification: Uncertain significance for Inborn genetic diseases. Last evaluated: 2026-05-06. Review status: criteria provided, single submitter. Criteria: Ambry Variant Classification Scheme 2023. Collection method: clinical testing. Allele origin: germline.

Labcorp Genetics (formerly Invitae), Labcorp
Classification: Uncertain significance for Bethlem myopathy 1A. Last evaluated: 2025-08-16. Review status: criteria provided, single submitter. Criteria: Invitae Variant Classification Sherloc (09022015). Collection method: clinical testing. Allele origin: germline.
Comment: This sequence change replaces lysine, which is basic and polar, with arginine, which is basic and polar, at codon 1708 of the COL6A3 protein (p.Lys1708Arg). This variant is present in population databases (rs770936644, gnomAD 0.02%). This variant has not been reported in the literature in individuals affected with COL6A3-related conditions. ClinVar contains an entry for this variant (Variation ID: 894892). Invitae Evidence Modeling of protein sequence and biophysical properties (such as structural, functional, and spatial information, amino acid conservation, physicochemical variation, residue mobility, and thermodynamic stability) indicates that this missense variant is not expected to disrupt COL6A3 protein function with a negative predictive value of 80%. In summary, the available evidence is currently insufficient to determine the role of this variant in disease. Therefore, it has been classified as a Variant of Uncertain Significance.

Illumina Laboratory Services, Illumina
Classification: Benign for Collagen VI-related myopathy. Last evaluated: 2018-01-12. Review status: criteria provided, single submitter. Criteria: ICSL Variant Classification Criteria 13 December 2019. Collection method: clinical testing. Allele origin: germline.
Comment: This variant was observed in the ICSL laboratory as part of a predisposition screen in an ostensibly healthy population. It had not been previously curated by ICSL or reported in the Human Gene Mutation Database (HGMD: prior to June 1st, 2018), and was therefore a candidate for classification through an automated scoring system. Utilizing variant allele frequency, disease prevalence and penetrance estimates, and inheritance mode, an automated score was calculated to assess if this variant is too frequent to cause the disease. Based on the score and internal cut-off values, a variant classified as benign is not then subjected to further curation. The score for this variant resulted in a classification of benign for this disease.